The following is an entry in ClinVar:

ClinVar aggregate classification (germline): Likely benign (0 of 4 stars; one submission).

Conditions:
CDAN1-related disorder. Also called: CDAN1-related condition.

Submission:

PreventionGenetics, part of Exact Sciences
Classification: Likely benign for CDAN1-related condition. Last evaluated: 2019-08-16. Review status: no assertion criteria provided. Collection method: clinical testing. Allele origin: germline.
Comment: This variant is classified as likely benign based on ACMG/AMP sequence variant interpretation guidelines (Richards et al. 2015 PMID: 25741868, with internal and published modifications).

NM_138477.4(CDAN1):c.3147C>A (p.Ser1049=)

Gene: CDAN1 (codanin 1; minus strand). Cytogenetic location: 15q15.2.
Variant type: single nucleotide variant.
Coding change: c.3147C>A on transcript NM_138477.4 (MANE Select); coding-DNA position 3147, C replaced by A.
Protein change: p.Ser1049=; no amino-acid change (serine 1049 retained).
Molecular consequence: synonymous variant.
Genome position (GRCh38, 1-based): chr15:42,726,367, G>T on the plus strand (C>A on the coding strand, the complement: CDAN1 is on the minus strand). VCF-style: chr15-42726367-G-T. GRCh37 (hg19) VCF-style: chr15-43018565-G-T.
Identifiers: ClinVar variation 3052921 (VCV003052921.2), dbSNP rs2506071353, ClinGen allele CA489894142.